The following is an entry in ClinVar:

ClinVar aggregate classification (germline): Uncertain significance (1 of 4 stars; one submission).

Conditions:
Autosomal dominant nonsyndromic hearing loss 1. Also called: DEAFNESS, AUTOSOMAL DOMINANT 1, WITH OR WITHOUT THROMBOCYTOPENIA; KONIGSMARK SYNDROME. Identifiers: Orphanet 90635, MedGen C1852282, MONDO:0007424, OMIM 124900.
Progressive microcephaly-seizures-cortical blindness-developmental delay syndrome. Also called: Seizures, cortical blindness, and microcephaly syndrome. Identifiers: Orphanet 477814, MedGen C5567650, MONDO:0014714, OMIM 616632.

Allele frequency attached by ClinVar (database versions not stated): gnomAD 0.00001; gnomAD exomes 0.00001; TOPMed 0.00002.
gnomAD v4.1: 14 of 1,614,088 alleles (0.00087%); highest among the groups gnomAD compares: South Asian, 0.0022%; no homozygotes.

Submission:

Labcorp Genetics (formerly Invitae), Labcorp
Classification: Uncertain significance for Progressive microcephaly-seizures-cortical blindness-developmental delay syndrome; Autosomal dominant nonsyndromic hearing loss 1. Last evaluated: 2026-01-24. Review status: criteria provided, single submitter. Criteria: Invitae Variant Classification Sherloc (09022015). Collection method: clinical testing. Allele origin: germline.
Comment: This sequence change replaces glycine, which is neutral and non-polar, with arginine, which is basic and polar, at codon 1226 of the DIAPH1 protein (p.Gly1226Arg). This variant is present in population databases (no rsID available, gnomAD 0.0009%). This variant has not been reported in the literature in individuals affected with DIAPH1-related conditions. ClinVar contains an entry for this variant (Variation ID: 2197386). An algorithm developed to predict the effect of missense changes on protein structure and function (PolyPhen-2) suggests that this variant is likely to be disruptive. In summary, the available evidence is currently insufficient to determine the role of this variant in disease. Therefore, it has been classified as a Variant of Uncertain Significance.

NM_005219.5(DIAPH1):c.3676G>A (p.Gly1226Arg)

Gene: DIAPH1 (diaphanous related formin 1; minus strand). Cytogenetic location: 5q31.3.
Variant type: single nucleotide variant.
Coding change: c.3676G>A on transcript NM_005219.5 (MANE Select); coding-DNA position 3676, G replaced by A.
Protein change: p.Gly1226Arg; replaces glycine 1226 with arginine.
Molecular consequence: missense variant. On other transcripts: synonymous variant (1).
Genome position (GRCh38, 1-based): chr5:141,516,994, C>T on the plus strand (G>A on the coding strand, the complement: DIAPH1 is on the minus strand). VCF-style: chr5-141516994-C-T. GRCh37 (hg19) VCF-style: chr5-140896561-C-T.
Other names: c.3649G>A, p.Gly1217Arg (NM_001079812.3); c.3729G>A, p.Pro1243= (NM_001314007.2); short protein forms G1217R, G1226R.
Identifiers: ClinVar variation 2197386 (VCV002197386.4), dbSNP rs1353463076, ClinGen allele CA361572792.